The following is an entry in ClinVar:

ClinVar aggregate classification (germline): Uncertain significance. Review status: criteria provided, multiple submitters, no conflicts (2 of 4 stars). 3 submissions from 3 submitters: Uncertain significance (3). Last evaluated 2022-11-22.

Conditions:
Inborn genetic diseases. Identifiers: MedGen C0950123, MeSH D030342.

Allele frequency attached by ClinVar (database versions not stated): ExAC 0.00002; TOPMed 0.00003.
gnomAD v4.1: 23 of 1,614,008 alleles (0.0014%); highest among the groups gnomAD compares: Non-Finnish European, 0.0018%; no homozygotes.

Submissions (3):

Labcorp Genetics (formerly Invitae), Labcorp
Classification: Uncertain significance. Last evaluated: 2022-11-22. Review status: criteria provided, single submitter. Criteria: Invitae Variant Classification Sherloc (09022015). Collection method: clinical testing. Allele origin: germline.
Comment: In summary, the available evidence is currently insufficient to determine the role of this variant in disease. Therefore, it has been classified as a Variant of Uncertain Significance. Algorithms developed to predict the effect of missense changes on protein structure and function (SIFT, PolyPhen-2, Align-GVGD) all suggest that this variant is likely to be disruptive. ClinVar contains an entry for this variant (Variation ID: 493228). This variant has not been reported in the literature in individuals affected with LAMA1-related conditions. This variant is present in population databases (rs565276715, gnomAD 0.003%). This sequence change replaces glycine, which is neutral and non-polar, with arginine, which is basic and polar, at codon 298 of the LAMA1 protein (p.Gly298Arg).

Ambry Genetics
Classification: Uncertain significance for Inborn genetic diseases. Last evaluated: 2021-06-02. Review status: criteria provided, single submitter. Criteria: Ambry Variant Classification Scheme 2023. Collection method: clinical testing. Allele origin: germline.

CeGaT Center for Human Genetics Tuebingen
Classification: Uncertain significance. Last evaluated: 2017-08-01. Review status: criteria provided, single submitter. Criteria: CeGaT Center For Human Genetics Tuebingen Variant Classification Criteria Version 2. Collection method: clinical testing. Allele origin: germline. Affected: yes. Observed: 1 variant allele.

NM_005559.4(LAMA1):c.892G>C (p.Gly298Arg)

Gene: LAMA1 (laminin subunit alpha 1; minus strand). Cytogenetic location: 18p11.31.
Variant type: single nucleotide variant.
Coding change: c.892G>C on transcript NM_005559.4 (MANE Select); coding-DNA position 892, G replaced by C.
Protein change: p.Gly298Arg; replaces glycine 298 with arginine.
Molecular consequence: missense variant.
Genome position (GRCh38, 1-based): chr18:7,044,806, C>G on the plus strand (G>C on the coding strand, the complement: LAMA1 is on the minus strand). VCF-style: chr18-7044806-C-G. GRCh37 (hg19) VCF-style: chr18-7044805-C-G.
Other names: c.892G>C (NM_005559.3); short protein forms G298R.
Identifiers: ClinVar variation 493228 (VCV000493228.49), dbSNP rs565276715, ClinGen allele CA8883150.
Genomic context (GRCh38, chr18:7,044,806, plus strand): 5'-CGGTTCCCGGCCTCCAGGGCTGCTGATGGTACCCAGGACAGCACCTGTTACAGCTCTCCC[C>G]GCAAGTATTATGCTCACATTGACACTGCAGTTTCTACACAATAAGGAAGCCAAAACTGAA-3'
Protein context (NP_005550.2, residues 288-308): LQCQCEHNTC[Gly298Arg]ESCNRCCPGY